The following is an entry in ClinVar:

NM_000051.4(ATM):c.4281T>C (p.Ala1427=)

Gene: ATM (ATM serine/threonine kinase; plus strand). Cytogenetic location: 11q22.3.
Variant type: single nucleotide variant.
Coding change: c.4281T>C on transcript NM_000051.4 (MANE Select); coding-DNA position 4281, T replaced by C.
Protein change: p.Ala1427=; no amino-acid change (alanine 1427 retained).
Molecular consequence: synonymous variant.
Genome position (GRCh38, 1-based): chr11:108,289,646, T>C. VCF-style: chr11-108289646-T-C. GRCh37 (hg19) VCF-style: chr11-108160373-T-C.
Other names: c.4281T>C, p.Ala1427= (NM_001351834.2).
Identifiers: ClinVar variation 232402 (VCV000232402.14), dbSNP rs876659745, ClinGen allele CA10579144.

ClinVar aggregate classification (germline): Benign/Likely benign. Review status: criteria provided, multiple submitters, no conflicts (2 of 4 stars). 3 submissions from 3 submitters: Benign (1); Likely benign (2). Last evaluated 2024-05-17.

Conditions:
Hereditary cancer-predisposing syndrome. Also called: Hereditary Cancer Syndrome; Neoplastic Syndromes, Hereditary; Tumor predisposition; Hereditary neoplastic syndrome. Identifiers: Orphanet 140162, MedGen C0027672, MeSH D009386, MONDO:0015356.
Familial cancer of breast. Also called: Hereditary breast cancer; hereditary breast carcinoma; BREAST CANCER, FAMILIAL. Identifiers: Orphanet 227535, MedGen C0346153, MONDO:0016419, OMIM 114480. Disease mechanism: loss of function.
Ataxia-telangiectasia syndrome (AT). Also called: Ataxia telangiectasia (A-T); Ataxia-telangiectasia, complementation group E; LOUIS-BAR SYNDROME; Cerebello-oculocutaneous telangiectasia; Immunodeficiency with ataxia telangiectasia; Ataxia-telangiectasia, complementation group D. Identifiers: Orphanet 100, MedGen C0004135, MONDO:0008840, OMIM 208900.

Submissions (3):

Myriad Genetics, Inc.
Classification: Benign for Familial cancer of breast. Last evaluated: 2024-05-17. Review status: criteria provided, single submitter. Criteria: Myriad Autosomal Dominant, Autosomal Recessive and X-Linked Classification Criteria (2023). Collection method: clinical testing. Allele origin: unknown.
Comment: This variant is considered benign. This variant is a silent/synonymous amino acid change and it is not expected to impact splicing.

Labcorp Genetics (formerly Invitae), Labcorp
Classification: Likely benign for Ataxia-telangiectasia syndrome. Last evaluated: 2021-12-09. Review status: criteria provided, single submitter. Criteria: Invitae Variant Classification Sherloc (09022015). Collection method: clinical testing. Allele origin: germline.

Ambry Genetics
Classification: Likely benign for Hereditary cancer-predisposing syndrome. Last evaluated: 2016-06-01. Review status: criteria provided, single submitter. Criteria: Ambry Variant Classification Scheme 2023. Collection method: clinical testing. Allele origin: germline.